The following is an entry in ClinVar:

ClinVar aggregate classification (germline): Uncertain significance. Review status: criteria provided, multiple submitters, no conflicts (2 of 4 stars). 2 submissions from 2 submitters: Uncertain significance (2). Last evaluated 2017-06-07.

Conditions:
Inborn genetic diseases. Identifiers: MedGen C0950123, MeSH D030342.

Allele frequency attached by ClinVar (database versions not stated): gnomAD exomes below 0.00001.
gnomAD v4.1: 2 of 1,614,170 alleles (0.00012%); highest among the groups gnomAD compares: Non-Finnish European, 0.00017%; no homozygotes.

Submissions (2):

GeneDx
Classification: Uncertain significance. Last evaluated: 2017-06-07. Review status: criteria provided, single submitter. Criteria: GeneDx Variant Classification (06012015). Collection method: clinical testing. Allele origin: germline. Affected: yes.
Comment: A variant of uncertain significance has been identified in the SCN2A gene. The L1242F variant has not been published as a pathogenic variant, nor has it been reported as a benign variant to our knowledge. The L1242F variant is not observed in large population cohorts (Lek et al., 2016; 1000 Genomes Consortium et al., 2015; Exome Variant Server). The L1242F variant is a conservative amino acid substitution, which is not likely to impact secondary protein structure as these residues share similar properties. However this substitution alters a conserved position predicted to be within the transmembrane segment S2 of the third homologous domain. Additionally, in silico analysis predicts this variant is probably damaging to the protein structure/function. Therefore, based on the currently available information, it is unclear whether this variant is a pathogenic variant or a rare benign variant.

Ambry Genetics
Classification: Uncertain significance for Inborn genetic diseases. Last evaluated: 2016-06-09. Review status: criteria provided, single submitter. Criteria: Ambry exome assertion method (8-5-2015). Collection method: clinical testing. Allele origin: germline. Affected: yes. Observed: 1 variant allele.

NM_001040142.2(SCN2A):c.3726A>T (p.Leu1242Phe)

Gene: SCN2A (sodium voltage-gated channel alpha subunit 2; plus strand). Cytogenetic location: 2q24.3.
Variant type: single nucleotide variant.
Coding change: c.3726A>T on transcript NM_001040142.2 (MANE Select); coding-DNA position 3726, A replaced by T.
Protein change: p.Leu1242Phe; replaces leucine 1242 with phenylalanine.
Molecular consequence: missense variant.
Genome position (GRCh38, 1-based): chr2:165,370,176, A>T. VCF-style: chr2-165370176-A-T. GRCh37 (hg19) VCF-style: chr2-166226686-A-T.
Other names: c.3726A>T, p.Leu1242Phe (NM_001040143.2, NM_001371246.1, NM_001371247.1 and 1 more transcripts); short protein forms L1242F.
Identifiers: ClinVar variation 432058 (VCV000432058.5), dbSNP rs1553591763, ClinGen allele CA349027760.
Genomic context (GRCh38, chr2:165,370,176, plus strand): 5'-TGACTTACAGGCCTTTGAAGATATATACATTGAGCAGCGAAAAACCATTAAGACCATGTT[A>T]GAATATGCTGACAAGGTTTTCACTTACATATTCATTCTGGAAATGCTGCTAAAGTGGGTT-3'
Protein context (NP_001035232.1, residues 1232-1252): IEQRKTIKTM[Leu1242Phe]EYADKVFTYI